The following is an entry in ClinVar:

NM_001377530.1(DMBT1):c.6548+10C>T

Gene: DMBT1 (deleted in malignant brain tumors 1; plus strand). Cytogenetic location: 10q26.13.
Variant type: single nucleotide variant.
Coding change: c.6548+10C>T on transcript NM_001377530.1 (MANE Select); 10 bases into the intron after coding-DNA position 6548, C replaced by T.
Molecular consequence: intron variant.
Genome position (GRCh38, 1-based): chr10:122,633,351, C>T. VCF-style: chr10-122633351-C-T. GRCh37 (hg19) VCF-style: chr10-124392867-C-T.
Other names: c.6161+10C>T (NM_007329.3); c.6158+10C>T (NM_001320644.2); c.4277+10C>T (NM_004406.3); c.6131+10C>T (NM_017579.3).
Identifiers: ClinVar variation 3038221 (VCV003038221.2), dbSNP rs148720177, ClinGen allele CA5728302.

ClinVar aggregate classification (germline): Likely benign (0 of 4 stars; one submission).

Conditions:
DMBT1-related disorder. Also called: DMBT1-related condition.

Allele frequency attached by ClinVar (database versions not stated): 1000 Genomes Project 30x 0.00016; 1000 Genomes Project 0.00020; ESP Exome Variant Server 0.00025; gnomAD 0.00058; TOPMed 0.00067.
gnomAD v4.1: 537 of 1,611,470 alleles (0.033%); highest among the groups gnomAD compares: East Asian, 0.35%; no homozygotes.

Submission:

PreventionGenetics, part of Exact Sciences
Classification: Likely benign for DMBT1-related condition. Last evaluated: 2019-07-18. Review status: no assertion criteria provided. Collection method: clinical testing. Allele origin: germline.
Comment: This variant is classified as likely benign based on ACMG/AMP sequence variant interpretation guidelines (Richards et al. 2015 PMID: 25741868, with internal and published modifications).